The following is an entry in ClinVar:

ClinVar aggregate classification (germline): Uncertain significance. Review status: criteria provided, multiple submitters, no conflicts (2 of 4 stars). 2 submissions from 2 submitters: Uncertain significance (2). Last evaluated 2025-10-03.

Allele frequency attached by ClinVar (database versions not stated): ExAC 0.00007; gnomAD exomes 0.00007; gnomAD 0.00013; TOPMed 0.00016.
gnomAD v4.1: 122 of 1,613,736 alleles (0.0076%); highest among the groups gnomAD compares: Middle Eastern, 0.13%; no homozygotes.

Submissions (2):

Labcorp Genetics (formerly Invitae), Labcorp
Classification: Uncertain significance. Last evaluated: 2025-10-03. Review status: criteria provided, single submitter. Criteria: Invitae Variant Classification Sherloc (09022015). Collection method: clinical testing. Allele origin: germline.
Comment: This sequence change replaces proline, which is neutral and non-polar, with leucine, which is neutral and non-polar, at codon 249 of the RNLS protein (p.Pro249Leu). This variant is present in population databases (rs774974412, gnomAD 0.05%). This variant has not been reported in the literature in individuals affected with RNLS-related conditions. ClinVar contains an entry for this variant (Variation ID: 2043747). An algorithm developed to predict the effect of missense changes on protein structure and function (PolyPhen-2) suggests that this variant is likely to be disruptive. In summary, the available evidence is currently insufficient to determine the role of this variant in disease. Therefore, it has been classified as a Variant of Uncertain Significance.

Ambry Genetics
Classification: Uncertain significance. Last evaluated: 2025-08-20. Review status: criteria provided, single submitter. Criteria: Ambry Variant Classification Scheme 2023. Collection method: clinical testing. Allele origin: germline.

NM_001031709.3(RNLS):c.746C>T (p.Pro249Leu)

Gene: RNLS (renalase, FAD dependent amine oxidase; minus strand). Cytogenetic location: 10q23.31.
Variant type: single nucleotide variant.
Coding change: c.746C>T on transcript NM_001031709.3 (MANE Select); coding-DNA position 746, C replaced by T.
Protein change: p.Pro249Leu; replaces proline 249 with leucine.
Molecular consequence: missense variant.
Genome position (GRCh38, 1-based): chr10:88,314,596, G>A on the plus strand (C>T on the coding strand, the complement: RNLS is on the minus strand). VCF-style: chr10-88314596-G-A. GRCh37 (hg19) VCF-style: chr10-90074353-G-A.
Other names: c.746C>T, p.Pro249Leu (NM_018363.4); c.746C>T (NM_001031709.2); short protein forms P249L.
Identifiers: ClinVar variation 2043747 (VCV002043747.5), dbSNP rs774974412, ClinGen allele CA5590370.